The following is an entry in ClinVar:

ClinVar aggregate classification (germline): Uncertain significance (1 of 4 stars; one submission).

Conditions:
Muscle AMP deaminase deficiency (MMDD). Also called: AMPD1 DEFICIENCY; ADENOSINE MONOPHOSPHATE DEAMINASE-1 DEFICIENCY, MYOPATHY DUE TO; Myoadenylate deaminase deficiency, myopathy due to; Adenosine monophosphate deaminase 1 deficiency; AMP deaminase 1 deficiency; Adenosine Monophosphate Deaminase 1. Identifiers: Orphanet 45, MedGen C3714933, MONDO:0014220, OMIM 615511.

Submission:

Labcorp Genetics (formerly Invitae), Labcorp
Classification: Uncertain significance for Muscle AMP deaminase deficiency. Last evaluated: 2022-08-16. Review status: criteria provided, single submitter. Criteria: Invitae Variant Classification Sherloc (09022015). Collection method: clinical testing. Allele origin: germline.
Comment: In summary, the available evidence is currently insufficient to determine the role of this variant in disease. Therefore, it has been classified as a Variant of Uncertain Significance. Algorithms developed to predict the effect of missense changes on protein structure and function are either unavailable or do not agree on the potential impact of this missense change (SIFT: "Tolerated"; PolyPhen-2: "Probably Damaging"; Align-GVGD: "Class C0"). ClinVar contains an entry for this variant (Variation ID: 1388491). This variant has not been reported in the literature in individuals affected with AMPD1-related conditions. This variant is not present in population databases (gnomAD no frequency). This sequence change replaces leucine, which is neutral and non-polar, with glutamine, which is neutral and polar, at codon 319 of the AMPD1 protein (p.Leu319Gln).

NM_000036.3(AMPD1):c.857T>A (p.Leu286Gln)

Gene: AMPD1 (adenosine monophosphate deaminase 1; minus strand). Cytogenetic location: 1p13.2.
Variant type: single nucleotide variant.
Coding change: c.857T>A on transcript NM_000036.3 (MANE Select); coding-DNA position 857, T replaced by A.
Protein change: p.Leu286Gln; replaces leucine 286 with glutamine.
Molecular consequence: missense variant.
Genome position (GRCh38, 1-based): chr1:114,679,619, A>T on the plus strand (T>A on the coding strand, the complement: AMPD1 is on the minus strand). VCF-style: chr1-114679619-A-T. GRCh37 (hg19) VCF-style: chr1-115222240-A-T.
Other names: c.845T>A, p.Leu282Gln (NM_001172626.2); short protein forms L282Q, L286Q.
Identifiers: ClinVar variation 1388491 (VCV001388491.6), dbSNP rs2101715885, ClinGen allele CA341750058.